The following is an entry in ClinVar:

ClinVar aggregate classification (germline): Uncertain significance (1 of 4 stars; one submission).

Conditions:
Neuromuscular disease caused by qualitative or quantitative defects of dysferlin. Also called: Qualitative or quantitative defects of dysferlin; Dysferlinopathy. Identifiers: Orphanet 207073, MedGen C2931687, MONDO:0016145.

Submission:

Labcorp Genetics (formerly Invitae), Labcorp
Classification: Uncertain significance for Neuromuscular disease caused by qualitative or quantitative defects of dysferlin. Last evaluated: 2022-09-01. Review status: criteria provided, single submitter. Criteria: Invitae Variant Classification Sherloc (09022015). Collection method: clinical testing. Allele origin: germline.
Comment: In summary, the available evidence is currently insufficient to determine the role of this variant in disease. Therefore, it has been classified as a Variant of Uncertain Significance. Advanced modeling of protein sequence and biophysical properties (such as structural, functional, and spatial information, amino acid conservation, physicochemical variation, residue mobility, and thermodynamic stability) performed at Invitae indicates that this missense variant is expected to disrupt DYSF protein function. ClinVar contains an entry for this variant (Variation ID: 935869). This variant has not been reported in the literature in individuals affected with DYSF-related conditions. This variant is not present in population databases (gnomAD no frequency). This sequence change replaces aspartic acid, which is acidic and polar, with glutamic acid, which is acidic and polar, at codon 1694 of the DYSF protein (p.Asp1694Glu).

NM_001130987.2(DYSF):c.5199C>A (p.Asp1733Glu)

Gene: DYSF (dysferlin; plus strand). Cytogenetic location: 2p13.2.
Variant type: single nucleotide variant.
Coding change: c.5199C>A on transcript NM_001130987.2 (MANE Select); coding-DNA position 5199, C replaced by A.
Protein change: p.Asp1733Glu; replaces aspartic acid 1733 with glutamic acid.
Molecular consequence: missense variant.
Genome position (GRCh38, 1-based): chr2:71,665,186, C>A. VCF-style: chr2-71665186-C-A. GRCh37 (hg19) VCF-style: chr2-71892316-C-A.
Other names: c.5085C>A, p.Asp1695Glu (NM_001130455.2); c.5040C>A, p.Asp1680Glu (NM_001130976.2); c.5103C>A, p.Asp1701Glu (NM_001130977.2); c.5145C>A, p.Asp1715Glu (NM_001130978.2); c.5175C>A, p.Asp1725Glu (NM_001130979.2); c.5133C>A, p.Asp1711Glu (NM_001130980.2); c.5196C>A, p.Asp1732Glu (NM_001130981.2); c.5178C>A, p.Asp1726Glu (NM_001130982.2); and 5 more; short protein forms D1680E, D1701E, D1711E, D1712E, D1716E, D1725E, D1726E, D1695E.
Identifiers: ClinVar variation 935869 (VCV000935869.9), dbSNP rs2094973647, ClinGen allele CA347220950.
Genomic context (GRCh38, chr2:71,665,186, plus strand): 5'-GAAGCATCTCATCTATGTCTTGTGCTTGCTCCTCAGCTCTGGACCGAACCAGTGGCGGGA[C>A]CAGCTCCGCCCCTCCCAGCTCCTCCACCTCTTCTGCCAGCAGCATAGAGTCAAGGCACCT-3'
Protein context (NP_001124459.1, residues 1723-1743): YCVSGPNQWR[Asp1733Glu]QLRPSQLLHL